The following is an entry in ClinVar:

ClinVar aggregate classification (germline): Conflicting classifications of pathogenicity. Review status: criteria provided, conflicting classifications (1 of 4 stars). 3 submissions from 3 submitters: Uncertain significance (1); Benign (1); Likely benign (1). Last evaluated 2024-10-24.

Conditions:
Autosomal recessive early-onset Parkinson disease 6 (PARK6). Also called: PINK1 Type of Young-Onset Parkinson Disease; PINK1-Related Parkinson Disease; PARKINSON DISEASE 6, EARLY-ONSET; PARKINSON DISEASE 6, MODIFIER OF. Identifiers: Orphanet 2828, MedGen C1853833, MONDO:0011613, OMIM 605909.

Allele frequency attached by ClinVar (database versions not stated): gnomAD 0.00001 and 0.00018; TOPMed 0.00002; 1000 Genomes Project 0.00040; 1000 Genomes Project 30x 0.00047; gnomAD exomes 0.00074; ExAC 0.00083.

Submissions (3):

Labcorp Genetics (formerly Invitae), Labcorp
Classification: Benign for Autosomal recessive early-onset Parkinson disease 6. Last evaluated: 2024-10-24. Review status: criteria provided, single submitter. Criteria: Invitae Variant Classification Sherloc (09022015). Collection method: clinical testing. Allele origin: germline.

CeGaT Center for Human Genetics Tuebingen
Classification: Likely benign. Last evaluated: 2023-11-01. Review status: criteria provided, single submitter. Criteria: CeGaT Center For Human Genetics Tuebingen Variant Classification Criteria Version 2. Collection method: clinical testing. Allele origin: germline. Affected: yes. Observed: 1 variant allele.
Comment: PINK1: BP4, BS2

Illumina Laboratory Services, Illumina
Classification: Uncertain significance for Autosomal recessive early-onset Parkinson disease 6. Last evaluated: 2018-01-13. Review status: criteria provided, single submitter. Criteria: ICSL Variant Classification Criteria 13 December 2019. Collection method: clinical testing. Allele origin: germline.

NM_032409.3(PINK1):c.1481C>T (p.Ala494Val)

Genes: PINK1 (PTEN induced kinase 1; plus strand), PINK1-AS (PINK1 antisense RNA; minus strand). Cytogenetic location: 1p36.12.
Variant type: single nucleotide variant.
Coding change: c.1481C>T on transcript NM_032409.3 (MANE Select); coding-DNA position 1481, C replaced by T.
Protein change: p.Ala494Val; replaces alanine 494 with valine.
Molecular consequence: missense variant. On other transcripts: non-coding transcript variant (1).
Genome position (GRCh38, 1-based): chr1:20,649,224, C>T. VCF-style: chr1-20649224-C-T. GRCh37 (hg19) VCF-style: chr1-20975717-C-T.
Other names: short protein forms A494V.
Identifiers: ClinVar variation 706953 (VCV000706953.33), dbSNP rs542258150, ClinGen allele CA660833.